The following is an entry in ClinVar:

NM_001242957.3(MAK):c.556G>T (p.Val186Phe)

Gene: MAK (male germ cell associated kinase; minus strand). Cytogenetic location: 6p24.2.
Variant type: single nucleotide variant.
Coding change: c.556G>T on transcript NM_001242957.3 (MANE Select); coding-DNA position 556, G replaced by T.
Protein change: p.Val186Phe; replaces valine 186 with phenylalanine.
Molecular consequence: missense variant. On other transcripts: non-coding transcript variant (2).
Genome position (GRCh38, 1-based): chr6:10,803,827, C>A on the plus strand (G>T on the coding strand, the complement: MAK is on the minus strand). VCF-style: chr6-10803827-C-A. GRCh37 (hg19) VCF-style: chr6-10804060-C-A.
Other names: c.556G>T (NM_005906.4, NM_001242957.2); c.556G>T, p.Val186Phe (NM_001242385.2, NM_005906.6); c.454G>T, p.Val152Phe (NM_001377262.1); short protein forms V152F, V186F.
Identifiers: ClinVar variation 1022133 (VCV001022133.5), dbSNP rs141312468, ClinGen allele CA3633676.

ClinVar aggregate classification (germline): Uncertain significance. Review status: criteria provided, multiple submitters, no conflicts (2 of 4 stars). 3 submissions from 3 submitters: Uncertain significance (3). Last evaluated 2026-06-08.

Conditions:
MAK-related disorder. Also called: MAK-related condition.
Inborn genetic diseases. Identifiers: MedGen C0950123, MeSH D030342.

Allele frequency attached by ClinVar (database versions not stated): ExAC 0.00002; gnomAD exomes 0.00003; TOPMed 0.00011; gnomAD 0.00013 and 0.00014; ESP Exome Variant Server 0.00015.
gnomAD v4.1: 36 of 1,613,914 alleles (0.0022%); highest among the groups gnomAD compares: African/African-American, 0.045%; no homozygotes.

Submissions (3):

PreventionGenetics, part of Exact Sciences
Classification: Uncertain significance for MAK-related condition. Last evaluated: 2026-06-08. Review status: criteria provided, single submitter. Criteria: ACMG Guidelines, 2015. Collection method: clinical testing. Allele origin: germline.
Comment: The MAK c.556G>T variant is predicted to result in the amino acid substitution p.Val186Phe. To our knowledge, this variant has not been reported in the literature. This variant is reported in 0.044% of alleles in individuals of African descent in gnomAD. At this time, the clinical significance of this variant is uncertain due to the absence of conclusive functional and genetic evidence.

Labcorp Genetics (formerly Invitae), Labcorp
Classification: Uncertain significance. Last evaluated: 2022-10-08. Review status: criteria provided, single submitter. Criteria: Invitae Variant Classification Sherloc (09022015). Collection method: clinical testing. Allele origin: germline.
Comment: This sequence change replaces valine, which is neutral and non-polar, with phenylalanine, which is neutral and non-polar, at codon 186 of the MAK protein (p.Val186Phe). This variant is present in population databases (rs141312468, gnomAD 0.05%). This missense change has been observed in individual(s) with clinical features of MAK-related conditions (Invitae). ClinVar contains an entry for this variant (Variation ID: 1022133). Advanced modeling of protein sequence and biophysical properties (such as structural, functional, and spatial information, amino acid conservation, physicochemical variation, residue mobility, and thermodynamic stability) performed at Invitae indicates that this missense variant is not expected to disrupt MAK protein function. In summary, the available evidence is currently insufficient to determine the role of this variant in disease. Therefore, it has been classified as a Variant of Uncertain Significance.

Ambry Genetics
Classification: Uncertain significance for Inborn genetic diseases. Last evaluated: 2021-08-09. Review status: criteria provided, single submitter. Criteria: Ambry Variant Classification Scheme 2023. Collection method: clinical testing. Allele origin: germline.